The following is an entry in ClinVar:

NM_022047.4(DEF6):c.860A>G (p.Asn287Ser)

Gene: DEF6 (DEF6 guanine nucleotide exchange factor; plus strand). Cytogenetic location: 6p21.31.
Variant type: single nucleotide variant.
Coding change: c.860A>G on transcript NM_022047.4 (MANE Select); coding-DNA position 860, A replaced by G.
Protein change: p.Asn287Ser; replaces asparagine 287 with serine.
Molecular consequence: missense variant.
Genome position (GRCh38, 1-based): chr6:35,317,943, A>G. VCF-style: chr6-35317943-A-G. GRCh37 (hg19) VCF-style: chr6-35285720-A-G.
Other names: short protein forms N287S.
Identifiers: ClinVar variation 1986655 (VCV001986655.1), dbSNP rs2395617, ClinGen allele CA3770835.

ClinVar aggregate classification (germline): Uncertain significance (1 of 4 stars; one submission).

gnomAD v4.1: 137 of 1,613,768 alleles (0.0085%); highest among the groups gnomAD compares: Non-Finnish European, 0.011%; no homozygotes.

Submission:

Labcorp Genetics (formerly Invitae), Labcorp
Classification: Uncertain significance. Last evaluated: 2022-02-19. Review status: criteria provided, single submitter. Criteria: Invitae Variant Classification Sherloc (09022015). Collection method: clinical testing. Allele origin: germline.
Comment: This sequence change replaces asparagine, which is neutral and polar, with serine, which is neutral and polar, at codon 287 of the DEF6 protein (p.Asn287Ser). This variant is present in population databases (rs2395617, gnomAD 0.004%). This variant has not been reported in the literature in individuals affected with DEF6-related conditions. Algorithms developed to predict the effect of missense changes on protein structure and function output the following: SIFT: "Tolerated"; PolyPhen-2: "Benign"; Align-GVGD: "Class C0". The serine amino acid residue is found in multiple mammalian species, which suggests that this missense change does not adversely affect protein function. In summary, the available evidence is currently insufficient to determine the role of this variant in disease. Therefore, it has been classified as a Variant of Uncertain Significance.